The following is an entry in ClinVar:

ClinVar aggregate classification (germline): Uncertain significance (1 of 4 stars; one submission).

Conditions:
Hereditary cancer-predisposing syndrome. Also called: Neoplastic Syndromes, Hereditary; Tumor predisposition; Hereditary neoplastic syndrome; Hereditary Cancer Syndrome. Identifiers: Orphanet 140162, MedGen C0027672, MeSH D009386, MONDO:0015356.

Allele frequency attached by ClinVar (database versions not stated): gnomAD exomes below 0.00001.
gnomAD v4.1: 5 of 1,614,082 alleles (0.00031%); highest among the groups gnomAD compares: Non-Finnish European, 0.00042%; no homozygotes.

Submission:

Ambry Genetics
Classification: Uncertain significance for Hereditary cancer-predisposing syndrome. Last evaluated: 2024-01-26. Review status: criteria provided, single submitter. Criteria: Ambry Variant Classification Scheme 2023. Collection method: clinical testing. Allele origin: germline.
Comment: The p.L166S variant (also known as c.497T>C), located in coding exon 4 of the RAD50 gene, results from a T to C substitution at nucleotide position 497. The leucine at codon 166 is replaced by serine, an amino acid with dissimilar properties. This amino acid position is conserved. In addition, this alteration is predicted to be deleterious by in silico analysis. Based on the available evidence, the clinical significance of this alteration remains unclear.

NM_005732.4(RAD50):c.497T>C (p.Leu166Ser)

Gene: RAD50 (RAD50 double strand break repair protein; plus strand). Cytogenetic location: 5q31.1.
Variant type: single nucleotide variant.
Coding change: c.497T>C on transcript NM_005732.4 (MANE Select); coding-DNA position 497, T replaced by C.
Protein change: p.Leu166Ser; replaces leucine 166 with serine.
Molecular consequence: missense variant.
Genome position (GRCh38, 1-based): chr5:132,579,448, T>C. VCF-style: chr5-132579448-T-C. GRCh37 (hg19) VCF-style: chr5-131915140-T-C.
Other names: short protein forms L166S.
Identifiers: ClinVar variation 3224988 (VCV003224988.1), dbSNP rs1349319235, ClinGen allele CA360934637.